The following is an entry in ClinVar:

ClinVar aggregate classification (germline): Uncertain significance (1 of 4 stars; one submission).

Conditions:
Intellectual disability, autosomal recessive 42 (NEDDSBA). Also called: GLYCOSYLPHOSPHATIDYLINOSITOL BIOSYNTHESIS DEFECT 9; Neurodevelopmental disorder with dysmorphic features, spasticity, and brain abnormalities. Identifiers: Orphanet 88616, MedGen C4014343, MONDO:0014348, OMIM 615802.

Allele frequency attached by ClinVar (database versions not stated): ExAC 0.00001; gnomAD 0.00001; 1000 Genomes Project 30x 0.00016; 1000 Genomes Project 0.00020.
gnomAD v4.1: 4 of 1,614,224 alleles (0.00025%); highest among the groups gnomAD compares: Non-Finnish European, 0.00034%; no homozygotes.

Submission:

Labcorp Genetics (formerly Invitae), Labcorp
Classification: Uncertain significance for Intellectual disability, autosomal recessive 42. Last evaluated: 2022-05-08. Review status: criteria provided, single submitter. Criteria: Invitae Variant Classification Sherloc (09022015). Collection method: clinical testing. Allele origin: germline.
Comment: This variant is present in population databases (rs546617176, gnomAD 0.0009%). This sequence change replaces leucine, which is neutral and non-polar, with isoleucine, which is neutral and non-polar, at codon 8 of the PGAP1 protein (p.Leu8Ile). This variant has not been reported in the literature in individuals affected with PGAP1-related conditions. In summary, the available evidence is currently insufficient to determine the role of this variant in disease. Therefore, it has been classified as a Variant of Uncertain Significance. Algorithms developed to predict the effect of missense changes on protein structure and function (SIFT, PolyPhen-2, Align-GVGD) all suggest that this variant is likely to be tolerated.

NM_024989.4(PGAP1):c.22C>A (p.Leu8Ile)

Gene: PGAP1 (post-GPI attachment to proteins inositol deacylase 1; minus strand). Cytogenetic location: 2q33.1.
Variant type: single nucleotide variant.
Coding change: c.22C>A on transcript NM_024989.4 (MANE Select); coding-DNA position 22, C replaced by A.
Protein change: p.Leu8Ile; replaces leucine 8 with isoleucine.
Molecular consequence: missense variant. On other transcripts: 5 prime UTR variant (2).
Genome position (GRCh38, 1-based): chr2:196,926,595, G>T on the plus strand (C>A on the coding strand, the complement: PGAP1 is on the minus strand). VCF-style: chr2-196926595-G-T. GRCh37 (hg19) VCF-style: chr2-197791319-G-T.
Other names: c.-585C>A (NM_001321099.2); c.-1090C>A (NM_001321100.2); short protein forms L8I.
Identifiers: ClinVar variation 2143188 (VCV002143188.3), dbSNP rs546617176, ClinGen allele CA2041318.